The following is an entry in ClinVar:

NM_024574.4(NDNF):c.602C>G (p.Thr201Ser)

Gene: NDNF (neuron derived neurotrophic factor; minus strand). Cytogenetic location: 4q27.
Variant type: single nucleotide variant.
Coding change: c.602C>G on transcript NM_024574.4 (MANE Select); coding-DNA position 602, C replaced by G.
Protein change: p.Thr201Ser; replaces threonine 201 with serine.
Molecular consequence: missense variant.
Genome position (GRCh38, 1-based): chr4:121,037,369, G>C on the plus strand (C>G on the coding strand, the complement: NDNF is on the minus strand). VCF-style: chr4-121037369-G-C. GRCh37 (hg19) VCF-style: chr4-121958524-G-C.
Other names: short protein forms T201S.
Identifiers: ClinVar variation 2655060 (VCV002655060.24), dbSNP rs200466645, ClinGen allele CA3061747.

ClinVar aggregate classification (germline): Likely benign (1 of 4 stars; one submission).

Allele frequency attached by ClinVar (database versions not stated): 1000 Genomes Project 30x 0.00016; 1000 Genomes Project 0.00020; ESP Exome Variant Server 0.00047; gnomAD 0.00066; gnomAD exomes 0.00067; TOPMed 0.00087; ExAC 0.00095.
gnomAD v4.1: 1,134 of 1,614,192 alleles (0.07%); highest among the groups gnomAD compares: Middle Eastern, 1.4%; 5 homozygotes.

Submission:

CeGaT Center for Human Genetics Tuebingen
Classification: Likely benign. Last evaluated: 2025-12-01. Review status: criteria provided, single submitter. Criteria: CeGaT Center For Human Genetics Tuebingen Variant Classification Criteria Version 2. Collection method: clinical testing. Allele origin: germline. Affected: yes. Observed: 2 variant alleles.
Comment: NDNF: BP4, BS2